The following is an entry in ClinVar:

ClinVar aggregate classification (germline): Uncertain significance (1 of 4 stars; one submission).

Conditions:
Hypotonia, ataxia, and delayed development syndrome (HADDS). Also called: EBF3 Neurodevelopmental Disorder. Identifiers: Orphanet 658843, MedGen C4310618, MONDO:0015021, OMIM 617330.

Submission:

3billion
Classification: Uncertain significance for Hypotonia, ataxia, and delayed development syndrome. Last evaluated: 2024-09-13. Review status: criteria provided, single submitter. Criteria: ACMG Guidelines, 2015. Collection method: clinical testing. Allele origin: germline. Affected: yes.
Comment: The variant is not observed in the gnomAD v4.0.0 dataset. Predicted Consequence/Location: Missense variant In silico tool predictions suggest damaging effect of the variant on gene or gene product [REVEL: 0.68 (>=0.6, sensitivity 0.68 and specificity 0.92); 3Cnet: 0.99 (>=0.6, sensitivity 0.72 and precision 0.9)]. A different missense change at the same codon (p.Cys198Tyr) has been reported to be associated with EBF3 related disorder (ClinVar ID: VCV000545444). However the evidence of pathogenicity is insufficient at this time. Therefore, this variant is classified as VUS according to the recommendation of ACMG/AMP guideline.

NM_001375380.1(EBF3):c.593G>T (p.Cys198Phe)

Gene: EBF3 (EBF transcription factor 3; minus strand). Cytogenetic location: 10q26.3.
Variant type: single nucleotide variant.
Coding change: c.593G>T on transcript NM_001375380.1 (MANE Select); coding-DNA position 593, G replaced by T.
Protein change: p.Cys198Phe; replaces cysteine 198 with phenylalanine.
Molecular consequence: missense variant.
Genome position (GRCh38, 1-based): chr10:129,877,811, C>A on the plus strand (G>T on the coding strand, the complement: EBF3 is on the minus strand). VCF-style: chr10-129877811-C-A. GRCh37 (hg19) VCF-style: chr10-131676075-C-A.
Other names: c.593G>T, p.Cys198Phe (NM_001005463.3, NM_001375379.1, NM_001375389.1 and 3 more transcripts); short protein forms C198F.
Identifiers: ClinVar variation 4292802 (VCV004292802.1).